The following is an entry in ClinVar:

ClinVar aggregate classification (germline): Pathogenic (1 of 4 stars; one submission).

Submission:

Athena Diagnostics
Classification: Pathogenic. Last evaluated: 2022-04-05. Review status: criteria provided, single submitter. Criteria: Athena Diagnostics Criteria. Collection method: clinical testing. Allele origin: unknown.
Comment: This deletion variant is predicted to maintain the open reading frame. However, due to the altered protein length, it is expected to severely disrupt protein function. Similar deletions of exons 45-47 have been reported primarily in patients with Becker muscular dystrophy (BMD), and also in individuals with Duchenne muscular dystrophy (DMD; PMID: 19937601, 17259292, 25972034, 28610567, 31443951 ). Similar variants have not been reported in large, multi-ethnic general populations (Genome Aggregation Database (gnomAD), Cambridge, MA (URL)).

Literature cited by the submitters: PubMed 33843695; PubMed 28181689; PubMed 31443951; PubMed 28859693; PubMed 23588064; PubMed 17259292; PubMed 28610567; PubMed 25972034; PubMed 19367636; PubMed 2810338; PubMed 28332368; PubMed 34297739; PubMed 31705731; PubMed 31379145; PubMed 32194622; PubMed 31404137; PubMed 19937601; PubMed 17253928; PubMed 15655674.

Single allele

Gene: DMD (dystrophin; minus strand). Cytogenetic location: Xp21.1.
Variant type: Deletion.
Identifiers: ClinVar variation 2684138 (VCV002684138.1).